The following is an entry in ClinVar:

ClinVar aggregate classification (germline): Conflicting classifications of pathogenicity. Review status: criteria provided, conflicting classifications (1 of 4 stars). 2 submissions from 2 submitters: Uncertain significance (1); Likely benign (1). Last evaluated 2024-10-16.

Allele frequency attached by ClinVar (database versions not stated): ExAC 0.00001; gnomAD 0.00001.
gnomAD v4.1: 12 of 1,614,010 alleles (0.00074%); highest among the groups gnomAD compares: South Asian, 0.0044%; no homozygotes.

Submissions (2):

Labcorp Genetics (formerly Invitae), Labcorp
Classification: Uncertain significance. Last evaluated: 2024-10-16. Review status: criteria provided, single submitter. Criteria: Invitae Variant Classification Sherloc (09022015). Collection method: clinical testing. Allele origin: germline.
Comment: This sequence change replaces valine, which is neutral and non-polar, with methionine, which is neutral and non-polar, at codon 478 of the VCAN protein (p.Val478Met). This variant is present in population databases (rs753756997, gnomAD 0.003%). This missense change has been observed in individual(s) with clinical features of VCAN-related conditions (internal data). ClinVar contains an entry for this variant (Variation ID: 1392361). An algorithm developed to predict the effect of missense changes on protein structure and function outputs the following: PolyPhen-2: "Benign". The methionine amino acid residue is found in multiple mammalian species, which suggests that this missense change does not adversely affect protein function. In summary, the available evidence is currently insufficient to determine the role of this variant in disease. Therefore, it has been classified as a Variant of Uncertain Significance.

Blueprint Genetics
Classification: Likely benign. Last evaluated: 2024-09-09. Review status: criteria provided, single submitter. Criteria: ACMG Guidelines, 2015. Collection method: clinical testing. Allele origin: germline.

NM_004385.5(VCAN):c.1432G>A (p.Val478Met)

Gene: VCAN (versican; plus strand). Cytogenetic location: 5q14.3.
Variant type: single nucleotide variant.
Coding change: c.1432G>A on transcript NM_004385.5 (MANE Select); coding-DNA position 1432, G replaced by A.
Protein change: p.Val478Met; replaces valine 478 with methionine.
Molecular consequence: missense variant. On other transcripts: intron variant (2).
Genome position (GRCh38, 1-based): chr5:83,519,738, G>A. VCF-style: chr5-83519738-G-A. GRCh37 (hg19) VCF-style: chr5-82815557-G-A.
Other names: c.1042+7342G>A (NM_001164097.2, NM_001126336.3); c.1432G>A, p.Val478Met (NM_001164098.2); short protein forms V478M.
Identifiers: ClinVar variation 1392361 (VCV001392361.7), dbSNP rs753756997, ClinGen allele CA3332675.